The following is an entry in ClinVar:

NM_021927.3(GUF1):c.1507A>G (p.Ile503Val)

Gene: GUF1 (GTP binding elongation factor GUF1; plus strand). Cytogenetic location: 4p12.
Variant type: single nucleotide variant.
Coding change: c.1507A>G on transcript NM_021927.3 (MANE Select); coding-DNA position 1507, A replaced by G.
Protein change: p.Ile503Val; replaces isoleucine 503 with valine.
Molecular consequence: missense variant.
Genome position (GRCh38, 1-based): chr4:44,691,693, A>G. VCF-style: chr4-44691693-A-G. GRCh37 (hg19) VCF-style: chr4-44693710-A-G.
Other names: c.535A>G, p.Ile179Val (NM_001345867.2, NM_001345869.2); c.1507A>G, p.Ile503Val (NM_001345868.2); short protein forms I503V, I179V.
Identifiers: ClinVar variation 783420 (VCV000783420.15), dbSNP rs112026924, ClinGen allele CA2905670.

ClinVar aggregate classification (germline): Benign. Review status: criteria provided, multiple submitters, no conflicts (2 of 4 stars). 3 submissions from 3 submitters: Benign (2). 1 of the submissions does not count toward it. Last evaluated 2026-01-28.

Conditions:
GUF1-related disorder. Also called: GUF1-related condition.

Allele frequency attached by ClinVar (database versions not stated): gnomAD exomes 0.00210 and 0.00430; ExAC 0.00518; gnomAD 0.01489 and 0.01574; ESP Exome Variant Server 0.01604; TOPMed 0.01628; 1000 Genomes Project 0.01977; 1000 Genomes Project 30x 0.02092.
gnomAD v4.1: 5,411 of 1,591,218 alleles (0.34%); highest among the groups gnomAD compares: African/African-American, 5%; 91 homozygotes.

Submissions (11):

Labcorp Genetics (formerly Invitae), Labcorp
Classification: Benign. Last evaluated: 2026-01-28. Review status: criteria provided, single submitter. Criteria: Invitae Variant Classification Sherloc (09022015). Collection method: clinical testing. Allele origin: germline.

Breakthrough Genomics
Classification: Benign. Review status: criteria provided, single submitter. Criteria: ACMG Guidelines, 2015. Collection method: not provided. Allele origin: germline. Inheritance: Autosomal recessive inheritance. Affected: yes.

PreventionGenetics, part of Exact Sciences
Classification: Benign for GUF1-related condition. Last evaluated: 2019-05-10. Review status: no assertion criteria provided. Collection method: clinical testing. Allele origin: germline. Not counted in ClinVar's aggregate classification.
Comment: This variant is classified as benign based on ACMG/AMP sequence variant interpretation guidelines (Richards et al. 2015 PMID: 25741868, with internal and published modifications).

Dr. Peter K. Rogan Lab, Western University
No classification provided (evidence only). Condition: Clear cell carcinoma of kidney. Review status: no classification provided. Collection method: in vitro. Allele origin: not applicable. Functional consequence: retained intron. Not counted in ClinVar's aggregate classification.

Dr. Peter K. Rogan Lab, Western University
No classification provided (evidence only). Condition: Thyroid cancer, nonmedullary, 1. Review status: no classification provided. Collection method: in vitro. Allele origin: not applicable. Functional consequence: retained intron. Not counted in ClinVar's aggregate classification.

Dr. Peter K. Rogan Lab, Western University
No classification provided (evidence only). Condition: Thyroid cancer, nonmedullary, 1. Review status: no classification provided. Collection method: in vitro. Allele origin: not applicable. Functional consequence: retained intron. Not counted in ClinVar's aggregate classification.

Dr. Peter K. Rogan Lab, Western University
No classification provided (evidence only). Condition: Cervical cancer. Review status: no classification provided. Collection method: in vitro. Allele origin: not applicable. Functional consequence: retained intron. Not counted in ClinVar's aggregate classification.

Dr. Peter K. Rogan Lab, Western University
No classification provided (evidence only). Condition: Adrenocortical carcinoma, hereditary. Review status: no classification provided. Collection method: in vitro. Allele origin: not applicable. Functional consequence: retained intron. Not counted in ClinVar's aggregate classification.

Dr. Peter K. Rogan Lab, Western University
No classification provided (evidence only). Condition: Adrenocortical carcinoma, hereditary. Review status: no classification provided. Collection method: in vitro. Allele origin: not applicable. Functional consequence: retained intron. Not counted in ClinVar's aggregate classification.

Dr. Peter K. Rogan Lab, Western University
No classification provided (evidence only). Condition: Uterine carcinosarcoma. Review status: no classification provided. Collection method: in vitro. Allele origin: not applicable. Functional consequence: skipped exon. Not counted in ClinVar's aggregate classification.

Dr. Peter K. Rogan Lab, Western University
No classification provided (evidence only). Condition: Uterine carcinosarcoma. Review status: no classification provided. Collection method: in vitro. Allele origin: not applicable. Functional consequence: retained intron. Not counted in ClinVar's aggregate classification.